The following is an entry in ClinVar:

ClinVar aggregate classification (germline): Pathogenic (1 of 4 stars; one submission).

Conditions:
EGFR-related lung cancer (EGFR). Identifiers: MedGen CN130014.

Submission:

Labcorp Genetics (formerly Invitae), Labcorp
Classification: Pathogenic for EGFR-related lung cancer. Last evaluated: 2022-10-27. Review status: criteria provided, single submitter. Criteria: Invitae Variant Classification Sherloc (09022015). Collection method: clinical testing. Allele origin: unknown.
Comment: This variant is a gross deletion of the genomic region encompassing exon(s) 1 of the EGFR gene, which includes the initiator codon. This deletion extends beyond the assayed region for this gene and therefore may encompass additional genes. It is expected to result in an absent or disrupted protein product. Loss-of-function variants in EGFR are known to be pathogenic (PMID: 7630400, 28726809, 29899996). For these reasons, this variant has been classified as Pathogenic. This variant has not been reported in the literature in individuals affected with EGFR-related conditions.

Literature cited by the submitters: PubMed 7630400; PubMed 28726809; PubMed 29899996.

NC_000007.13:g.(?_55086755)_(55087068_?)del

Gene: EGFR (epidermal growth factor receptor; plus strand). Cytogenetic location: 7p11.2.
Variant type: Deletion.
Identifiers: ClinVar variation 3245831 (VCV003245831.1).